The following is an entry in ClinVar:

NM_003482.4(KMT2D):c.16312C>T (p.Arg5438Trp)

Gene: KMT2D (lysine methyltransferase 2D; minus strand). Cytogenetic location: 12q13.12.
Variant type: single nucleotide variant.
Coding change: c.16312C>T on transcript NM_003482.4 (MANE Select); coding-DNA position 16312, C replaced by T.
Protein change: p.Arg5438Trp; replaces arginine 5438 with tryptophan.
Molecular consequence: missense variant.
Genome position (GRCh38, 1-based): chr12:49,022,616, G>A on the plus strand (C>T on the coding strand, the complement: KMT2D is on the minus strand). VCF-style: chr12-49022616-G-A. GRCh37 (hg19) VCF-style: chr12-49416399-G-A.
Other names: short protein forms R5438W.
Identifiers: ClinVar variation 2636226 (VCV002636226.1), dbSNP rs1314343736, ClinGen allele CA384677487.

ClinVar aggregate classification (germline): Uncertain significance (1 of 4 stars; one submission).

Conditions:
KMT2D-related disorder. Also called: KMT2D-Related Disorders.

Allele frequency attached by ClinVar (database versions not stated): TOPMed below 0.00001.
gnomAD v4.1: 4 of 1,613,762 alleles (0.00025%); highest among the groups gnomAD compares: Non-Finnish European, 0.00034%; no homozygotes.

Submission:

PreventionGenetics, part of Exact Sciences
Classification: Uncertain significance for KMT2D-related condition. Last evaluated: 2022-10-19. Review status: criteria provided, single submitter. Criteria: ACMG Guidelines, 2015. Collection method: clinical testing. Allele origin: germline.
Comment: The KMT2D c.16312C>T variant is predicted to result in the amino acid substitution p.Arg5438Trp. To our knowledge, this variant has not been reported in the literature. This variant is reported in 0.0033% of alleles in individuals of South Asian descent in gnomAD. At this time, the clinical significance of this variant is uncertain due to the absence of conclusive functional and genetic evidence.